The following is an entry in ClinVar:

NM_001129.5(AEBP1):c.254-5G>A

Gene: AEBP1 (AE binding protein 1; plus strand). Cytogenetic location: 7p13.
Variant type: single nucleotide variant.
Coding change: c.254-5G>A on transcript NM_001129.5 (MANE Select); 5 bases into the intron before coding-DNA position 254, G replaced by A.
Molecular consequence: intron variant.
Genome position (GRCh38, 1-based): chr7:44,106,541, G>A. VCF-style: chr7-44106541-G-A. GRCh37 (hg19) VCF-style: chr7-44146140-G-A.
Identifiers: ClinVar variation 2980120 (VCV002980120.4), dbSNP rs770411493, ClinGen allele CA4237451.
Genomic context (GRCh38, chr7:44,106,541, plus strand): 5'-AGAGGGGCCTCATGGGGGCACAGAGCTGGCTCTGTTCATTTGACACGAGTCTGCATCTTG[G>A]ACAGTGCCTCCGGAAAAGACCAAAGACAAAGGGAAGAAAGGCAAGAAAGACAAAGGCCCC-3'

ClinVar aggregate classification (germline): Conflicting classifications of pathogenicity. Review status: criteria provided, conflicting classifications (1 of 4 stars). 2 submissions from 2 submitters: Uncertain significance (1); Likely benign (1). Last evaluated 2025-03-17.

Allele frequency attached by ClinVar (database versions not stated): gnomAD exomes below 0.00001; gnomAD 0.00001; TOPMed 0.00001; ExAC 0.00004.
gnomAD v4.1: 8 of 1,587,196 alleles (0.0005%); highest among the groups gnomAD compares: Admixed American, 0.0019%; no homozygotes.

Submissions (2):

Women's Health and Genetics/Laboratory Corporation of America, LabCorp
Classification: Uncertain significance. Last evaluated: 2025-03-17. Review status: criteria provided, single submitter. Criteria: LabCorp Variant Classification Summary - May 2015. Collection method: clinical testing. Allele origin: germline.
Comment: Variant summary: AEBP1 c.254-5G>A alters a non-conserved nucleotide located close to a canonical splice site and therefore could affect mRNA splicing, leading to a significantly altered protein sequence. Consensus agreement among computation tools predict no significant impact on normal splicing. However, these predictions have yet to be confirmed by functional studies. The variant allele was found at a frequency of 1.9e-05 in 211332 control chromosomes. The available data on variant occurrences in the general population are insufficient to allow any conclusion about variant significance. To our knowledge, no occurrence of c.254-5G>A in individuals affected with Ehlers-Danlos syndrome, classic-like, 2 and no experimental evidence demonstrating its impact on protein function have been reported. ClinVar contains an entry for this variant (Variation ID: 2980120). Based on the evidence outlined above, the variant was classified as uncertain significance.

Labcorp Genetics (formerly Invitae), Labcorp
Classification: Likely benign. Last evaluated: 2025-02-11. Review status: criteria provided, single submitter. Criteria: Invitae Variant Classification Sherloc (09022015). Collection method: clinical testing. Allele origin: germline.